The following is an entry in ClinVar:

ClinVar aggregate classification (germline): Uncertain significance (1 of 4 stars; one submission).

Conditions:
Cystic fibrosis (CF). Also called: MUCOVISCIDOSIS. Identifiers: Orphanet 586, MedGen C0010674, MONDO:0009061, OMIM 219700. Disease mechanism: loss of function.

Allele frequency attached by ClinVar (database versions not stated): gnomAD exomes below 0.00001; TOPMed below 0.00001.

Submission:

Ambry Genetics
Classification: Uncertain significance for Cystic fibrosis. Last evaluated: 2023-05-19. Review status: criteria provided, single submitter. Criteria: Ambry Variant Classification Scheme 2023. Collection method: clinical testing. Allele origin: germline.
Comment: The p.G228S variant (also known as c.682G>A), located in coding exon 6 of the CFTR gene, results from a G to A substitution at nucleotide position 682. The glycine at codon 228 is replaced by serine, an amino acid with similar properties. This amino acid position is poorly conserved in available vertebrate species. In addition, the in silico prediction for this alteration is inconclusive. Since supporting evidence is limited at this time, the clinical significance of this alteration remains unclear.

NM_000492.4(CFTR):c.682G>A (p.Gly228Ser)

Gene: CFTR (CF transmembrane conductance regulator; plus strand). Cytogenetic location: 7q31.2.
Variant type: single nucleotide variant.
Coding change: c.682G>A on transcript NM_000492.4 (MANE Select); coding-DNA position 682, G replaced by A.
Protein change: p.Gly228Ser; replaces glycine 228 with serine.
Molecular consequence: missense variant.
Genome position (GRCh38, 1-based): chr7:117,535,350, G>A. VCF-style: chr7-117535350-G-A. GRCh37 (hg19) VCF-style: chr7-117175404-G-A.
Other names: short protein forms G228S.
Identifiers: ClinVar variation 2562514 (VCV002562514.2), dbSNP rs1435574279, ClinGen allele CA368977037.